The following is an entry in ClinVar:

ClinVar aggregate classification (germline): Uncertain significance (1 of 4 stars; one submission).

Allele frequency attached by ClinVar (database versions not stated): gnomAD 0.00001; gnomAD exomes 0.00001; TOPMed 0.00002.
gnomAD v4.1: 10 of 1,613,954 alleles (0.00062%); highest among the groups gnomAD compares: Middle Eastern, 0.016%; no homozygotes.

Submission:

Labcorp Genetics (formerly Invitae), Labcorp
Classification: Uncertain significance. Last evaluated: 2021-01-06. Review status: criteria provided, single submitter. Criteria: Invitae Variant Classification Sherloc (09022015). Collection method: clinical testing. Allele origin: germline.
Comment: This variant is not present in population databases (ExAC no frequency). This sequence change replaces arginine with cysteine at codon 621 of the TUBGCP4 protein (p.Arg621Cys). The arginine residue is moderately conserved and there is a large physicochemical difference between arginine and cysteine. This variant has not been reported in the literature in individuals with TUBGCP4-related conditions. Algorithms developed to predict the effect of missense changes on protein structure and function (SIFT, PolyPhen-2, Align-GVGD) all suggest that this variant is likely to be tolerated, but these predictions have not been confirmed by published functional studies and their clinical significance is uncertain. In summary, the available evidence is currently insufficient to determine the role of this variant in disease. Therefore, it has been classified as a Variant of Uncertain Significance.

NM_014444.5(TUBGCP4):c.1858C>T (p.Arg620Cys)

Genes: TP53BP1 (tumor protein p53 binding protein 1; minus strand), TUBGCP4 (tubulin gamma complex component 4; plus strand). Cytogenetic location: 15q15.3.
Variant type: single nucleotide variant.
Coding change: c.1858C>T on transcript NM_014444.5 (MANE Select); coding-DNA position 1858, C replaced by T.
Protein change: p.Arg620Cys; replaces arginine 620 with cysteine.
Molecular consequence: missense variant. On other transcripts: 3 prime UTR variant (5).
Genome position (GRCh38, 1-based): chr15:43,404,422, C>T. VCF-style: chr15-43404422-C-T. GRCh37 (hg19) VCF-style: chr15-43696620-C-T.
Other names: c.1861C>T, p.Arg621Cys (NM_001286414.3); c.*2961G>A (NM_001141979.3, NM_001141980.3, NM_001355001.2 and 2 more transcripts); short protein forms R621C, R620C.
Identifiers: ClinVar variation 1497593 (VCV001497593.8), dbSNP rs973370836, ClinGen allele CA270001819.
Genomic context (GRCh38, chr15:43,404,422, plus strand): 5'-GGAGAGTTGGTGAGCTGAAGTGGAATGACAGCTGAGTCCTTCTCTCTGCAGGGCTTTAGC[C>T]GCCAGTCTTCACTCCTGTTCAAGATTCTCTCCAGTGTTCGGAATCATCAGATCAACTCAG-3'
Protein context (NP_055259.2, residues 610-630): QLSILVKGFS[Arg620Cys]QSSLLFKILS